The following is an entry in ClinVar:

NM_000717.5(CA4):c.87C>T (p.Ala29=)

Gene: CA4 (carbonic anhydrase 4; plus strand). Cytogenetic location: 17q23.1.
Variant type: single nucleotide variant.
Coding change: c.87C>T on transcript NM_000717.5 (MANE Select); coding-DNA position 87, C replaced by T.
Protein change: p.Ala29=; no amino-acid change (alanine 29 retained).
Molecular consequence: synonymous variant. On other transcripts: non-coding transcript variant (1).
Genome position (GRCh38, 1-based): chr17:60,155,342, C>T. VCF-style: chr17-60155342-C-T. GRCh37 (hg19) VCF-style: chr17-58232703-C-T.
Other names: c.87C>T (NM_000717.4).
Identifiers: ClinVar variation 1154893 (VCV001154893.12), dbSNP rs537429987, ClinGen allele CA8685211.
Genomic context (GRCh38, chr17:60,155,342, plus strand): 5'-CGCACACTTCACACCCTTCCTCTCTGCTCCAGAGTCACACTGGTGCTACGAGGTTCAAGC[C>T]GAGTCCTCCAACTACCCCTGCTTGGGTGAGTACAGCCAGTCCAGGGGACTGCTCTTTGTG-3'
Protein context (NP_000708.1, residues 19-39): AESHWCYEVQ[Ala29=]ESSNYPCLVP

ClinVar aggregate classification (germline): Likely benign. Review status: criteria provided, multiple submitters, no conflicts (2 of 4 stars). 3 submissions from 3 submitters: Likely benign (2). 1 of the submissions does not count toward it. Last evaluated 2025-04-14.

Conditions:
CA4-related disorder. Also called: CA4-related condition.

Allele frequency attached by ClinVar (database versions not stated): gnomAD exomes 0.00004; gnomAD 0.00005 and 0.00007; ExAC 0.00006; TOPMed 0.00006; 1000 Genomes Project 30x 0.00016; 1000 Genomes Project 0.00020.
gnomAD v4.1: 27 of 1,611,378 alleles (0.0017%); highest among the groups gnomAD compares: East Asian, 0.016%; no homozygotes.

Submissions (3):

Labcorp Genetics (formerly Invitae), Labcorp
Classification: Likely benign. Last evaluated: 2025-04-14. Review status: criteria provided, single submitter. Criteria: Invitae Variant Classification Sherloc (09022015). Collection method: clinical testing. Allele origin: germline.

Blueprint Genetics
Classification: Likely benign. Last evaluated: 2024-05-21. Review status: criteria provided, single submitter. Criteria: ACMG Guidelines, 2015. Collection method: clinical testing. Allele origin: germline.

PreventionGenetics, part of Exact Sciences
Classification: Likely benign for CA4-related condition. Last evaluated: 2019-11-25. Review status: no assertion criteria provided. Collection method: clinical testing. Allele origin: germline. Not counted in ClinVar's aggregate classification.
Comment: This variant is classified as likely benign based on ACMG/AMP sequence variant interpretation guidelines (Richards et al. 2015 PMID: 25741868, with internal and published modifications).